The following is an entry in ClinVar:

ClinVar aggregate classification (germline): Uncertain significance. Review status: criteria provided, multiple submitters, no conflicts (2 of 4 stars). 4 submissions from 4 submitters: Uncertain significance (4). Last evaluated 2025-08-19.

Conditions:
Inborn genetic diseases. Identifiers: MedGen C0950123, MeSH D030342.

Allele frequency attached by ClinVar (database versions not stated): ExAC 0.00003; gnomAD 0.00003; TOPMed 0.00004; 1000 Genomes Project 30x 0.00016; 1000 Genomes Project 0.00020.
gnomAD v4.1: 16 of 1,614,182 alleles (0.00099%); highest among the groups gnomAD compares: Admixed American, 0.02%; no homozygotes.

Submissions (4):

Labcorp Genetics (formerly Invitae), Labcorp
Classification: Uncertain significance. Last evaluated: 2025-08-19. Review status: criteria provided, single submitter. Criteria: Invitae Variant Classification Sherloc (09022015). Collection method: clinical testing. Allele origin: germline.
Comment: This sequence change replaces tyrosine, which is neutral and polar, with cysteine, which is neutral and slightly polar, at codon 293 of the TECTA protein (p.Tyr293Cys). This variant is present in population databases (rs185351501, gnomAD 0.02%). This variant has not been reported in the literature in individuals affected with TECTA-related conditions. ClinVar contains an entry for this variant (Variation ID: 517477). Invitae Evidence Modeling of protein sequence and biophysical properties (such as structural, functional, and spatial information, amino acid conservation, physicochemical variation, residue mobility, and thermodynamic stability) indicates that this missense variant is not expected to disrupt TECTA protein function with a negative predictive value of 95%. In summary, the available evidence is currently insufficient to determine the role of this variant in disease. Therefore, it has been classified as a Variant of Uncertain Significance.

GeneDx
Classification: Uncertain significance. Last evaluated: 2025-04-23. Review status: criteria provided, single submitter. Criteria: GeneDx Variant Classification Process June 2021. Collection method: clinical testing. Allele origin: germline. Affected: yes.
Comment: In silico analysis indicates that this missense variant does not alter protein structure/function; Has not been previously published as pathogenic or benign to our knowledge; This variant is associated with the following publications: (PMID: 21520338, 31554319, 9590290)

Ambry Genetics
Classification: Uncertain significance for Inborn genetic diseases. Last evaluated: 2024-05-14. Review status: criteria provided, single submitter. Criteria: Ambry Variant Classification Scheme 2023. Collection method: clinical testing. Allele origin: germline.

Laboratory for Molecular Medicine, Mass General Brigham Personalized Medicine
Classification: Uncertain significance. Last evaluated: 2017-07-11. Review status: criteria provided, single submitter. Criteria: LMM Criteria. Collection method: clinical testing. Allele origin: germline. Observed: 1 variant allele.
Comment: The p.Tyr293Cys variant in TECTA has not been previously reported in individuals with hearing loss, but has been identified in 7/33582 of Latino chromosomes by the Genome Aggregation Database (gnomAD; dbSNP rs185351501). Although this variant has been seen in the general population, i ts frequency is not high enough to rule out a pathogenic role. Computational pr ediction tools and conservation analyses suggest that this variant may not impac t the protein, though this information is not predictive enough to rule out path ogenicity. In summary, the clinical significance of the p.Tyr293Cys variant is u ncertain.

NM_005422.4(TECTA):c.878A>G (p.Tyr293Cys)

Genes: TBCEL-TECTA (TBCEL-TECTA readthrough; plus strand), TECTA (tectorin alpha; plus strand). Cytogenetic location: 11q23.3.
Variant type: single nucleotide variant.
Coding change: c.878A>G on transcript NM_005422.4 (MANE Select); coding-DNA position 878, A replaced by G.
Protein change: p.Tyr293Cys; replaces tyrosine 293 with cysteine.
Molecular consequence: missense variant.
Genome position (GRCh38, 1-based): chr11:121,118,393, A>G. VCF-style: chr11-121118393-A-G. GRCh37 (hg19) VCF-style: chr11-120989102-A-G.
Other names: c.1835A>G, p.Tyr612Cys (NM_001378761.1); short protein forms Y293C, Y612C.
Identifiers: ClinVar variation 517477 (VCV000517477.10), dbSNP rs185351501, ClinGen allele CA6326628.
Genomic context (GRCh38, chr11:121,118,393, plus strand): 5'-TTTGGGATGACTTGAACTGCACCGTCAAGTGCCGCTGTCTGGATTTCAACAATGAGATCT[A>G]CTGCCAGGAGGCTTCCTGTAGCCCCTACGAGGTGTGCGAACCCAAAGGCAAATTCTTCTA-3'
Protein context (NP_005413.2, residues 283-303): CRCLDFNNEI[Tyr293Cys]CQEASCSPYE